The following is an entry in ClinVar:

ClinVar aggregate classification (germline): Uncertain significance. Review status: criteria provided, multiple submitters, no conflicts (2 of 4 stars). 2 submissions from 2 submitters: Uncertain significance (2). Last evaluated 2025-10-21.

Conditions:
Hypertrophic cardiomyopathy. Also called: HYPERTROPHIC MYOCARDIOPATHY. Identifiers: Orphanet 217569, MedGen C0007194, MeSH D002312, MONDO:0005045, HP:0001639.

Allele frequency attached by ClinVar (database versions not stated): gnomAD exomes below 0.00001 and 0.00001; TOPMed 0.00001.
gnomAD v4.1: 12 of 1,611,114 alleles (0.00074%); highest among the groups gnomAD compares: Non-Finnish European, 0.001%; no homozygotes.

Submissions (2):

Labcorp Genetics (formerly Invitae), Labcorp
Classification: Uncertain significance for Hypertrophic cardiomyopathy. Last evaluated: 2025-10-21. Review status: criteria provided, single submitter. Criteria: Invitae Variant Classification Sherloc (09022015). Collection method: clinical testing. Allele origin: germline.
Comment: This sequence change replaces glutamic acid, which is acidic and polar, with aspartic acid, which is acidic and polar, at codon 262 of the MYOZ2 protein (p.Glu262Asp). This variant is present in population databases (no rsID available, gnomAD 0.0009%). This variant has not been reported in the literature in individuals affected with MYOZ2-related conditions. ClinVar contains an entry for this variant (Variation ID: 213651). Invitae Evidence Modeling of protein sequence and biophysical properties (such as structural, functional, and spatial information, amino acid conservation, physicochemical variation, residue mobility, and thermodynamic stability) indicates that this missense variant is not expected to disrupt MYOZ2 protein function with a negative predictive value of 80%. In summary, the available evidence is currently insufficient to determine the role of this variant in disease. Therefore, it has been classified as a Variant of Uncertain Significance.

GeneDx
Classification: Uncertain significance. Last evaluated: 2018-05-22. Review status: criteria provided, single submitter. Criteria: GeneDx Variant Classification (06012015). Collection method: clinical testing. Allele origin: germline. Affected: yes.
Comment: A variant of uncertain significance has been identified in the MYOZ2 gene. The E262D variant has not been publishedas a pathogenic variant, nor has it been reported as a benign variant to our knowledge. This variant was not observedin approximately 6,500 individuals of European and African American ancestry in the NHLBI Exome SequencingProject, indicating it is not a common benign variant in these populations. This substitution occurs at a positionwhere only amino acids with similar properties to Glutamic acid are tolerated across species. However, the E262Dvariant is a conservative amino acid substitution, which is not likely to impact secondary protein structure as theseresidues share similar properties. In silico analysis is inconsistent in its predictions as to whether or not the variant isdamaging to the protein structure/function. No missense variants in nearby residues have been reported in the HumanGene Mutation Database (Stenson et al., 2014).

NM_016599.5(MYOZ2):c.786A>C (p.Glu262Asp)

Gene: MYOZ2 (myozenin 2; plus strand). Cytogenetic location: 4q26.
Variant type: single nucleotide variant.
Coding change: c.786A>C on transcript NM_016599.5 (MANE Select); coding-DNA position 786, A replaced by C.
Protein change: p.Glu262Asp; replaces glutamic acid 262 with aspartic acid.
Molecular consequence: missense variant.
Genome position (GRCh38, 1-based): chr4:119,186,191, A>C. VCF-style: chr4-119186191-A-C. GRCh37 (hg19) VCF-style: chr4-120107346-A-C.
Other names: p.E262D:GAA>GAC; short protein forms E262D.
Identifiers: ClinVar variation 213651 (VCV000213651.5), dbSNP rs863223714, ClinGen allele CA323311.